The following is an entry in ClinVar:

ClinVar aggregate classification (germline): Uncertain significance (1 of 4 stars; one submission).

Conditions:
Charcot-Marie-Tooth disease axonal type 2O. Also called: Charcot-Marie-Tooth Neuropathy Type 2O; CHARCOT-MARIE-TOOTH NEUROPATHY, AXONAL, TYPE 2O; CHARCOT-MARIE-TOOTH DISEASE, AXONAL, AUTOSOMAL DOMINANT, TYPE 2O; Charcot-Marie-Tooth disease, axonal, type 20. Identifiers: Orphanet 284232, MedGen C3280220, MONDO:0013644, OMIM 614228.

Allele frequency attached by ClinVar (database versions not stated): ExAC 0.00001.
gnomAD v4.1: 7 of 1,613,780 alleles (0.00043%); highest among the groups gnomAD compares: South Asian, 0.0011%; no homozygotes.

Submission:

Labcorp Genetics (formerly Invitae), Labcorp
Classification: Uncertain significance for Charcot-Marie-Tooth disease axonal type 2O. Last evaluated: 2023-03-23. Review status: criteria provided, single submitter. Criteria: Invitae Variant Classification Sherloc (09022015). Collection method: clinical testing. Allele origin: germline.
Comment: This sequence change replaces threonine, which is neutral and polar, with methionine, which is neutral and non-polar, at codon 4226 of the DYNC1H1 protein (p.Thr4226Met). This variant is not present in population databases (gnomAD no frequency). This variant has not been reported in the literature in individuals affected with DYNC1H1-related conditions. ClinVar contains an entry for this variant (Variation ID: 1436358). Advanced modeling of protein sequence and biophysical properties (such as structural, functional, and spatial information, amino acid conservation, physicochemical variation, residue mobility, and thermodynamic stability) performed at Invitae indicates that this missense variant is not expected to disrupt DYNC1H1 protein function. In summary, the available evidence is currently insufficient to determine the role of this variant in disease. Therefore, it has been classified as a Variant of Uncertain Significance.

NM_001376.5(DYNC1H1):c.12677C>T (p.Thr4226Met)

Gene: DYNC1H1 (dynein cytoplasmic 1 heavy chain 1; plus strand). Cytogenetic location: 14q32.31.
Variant type: single nucleotide variant.
Coding change: c.12677C>T on transcript NM_001376.5 (MANE Select); coding-DNA position 12677, C replaced by T.
Protein change: p.Thr4226Met; replaces threonine 4226 with methionine.
Molecular consequence: missense variant.
Genome position (GRCh38, 1-based): chr14:102,044,038, C>T. VCF-style: chr14-102044038-C-T. GRCh37 (hg19) VCF-style: chr14-102510375-C-T.
Other names: short protein forms T4226M.
Identifiers: ClinVar variation 1436358 (VCV001436358.6), dbSNP rs776972173, ClinGen allele CA7353988.